The following is an entry in ClinVar:

ClinVar aggregate classification (germline): Uncertain significance (1 of 4 stars; one submission).

Submission:

GeneDx
Classification: Uncertain significance. Last evaluated: 2025-01-17. Review status: criteria provided, single submitter. Criteria: GeneDx Variant Classification Process June 2021. Collection method: clinical testing. Allele origin: germline. Affected: yes.
Comment: In silico analysis supports that this missense variant has a deleterious effect on protein structure/function; Has not been previously published as pathogenic or benign to our knowledge

NM_001353345.2(SETD1B):c.2689T>G (p.Trp897Gly)

Gene: SETD1B (SET domain containing 1B, histone lysine methyltransferase; plus strand). Cytogenetic location: 12q24.31.
Variant type: single nucleotide variant.
Coding change: c.2689T>G on transcript NM_001353345.2 (MANE Select); coding-DNA position 2689, T replaced by G.
Protein change: p.Trp897Gly; replaces tryptophan 897 with glycine.
Molecular consequence: missense variant.
Genome position (GRCh38, 1-based): chr12:121,814,904, T>G. VCF-style: chr12-121814904-T-G. GRCh37 (hg19) VCF-style: chr12-122252810-T-G.
Other names: short protein forms W897G.
Identifiers: ClinVar variation 4070863 (VCV004070863.1).